The following is an entry in ClinVar:

NM_003055.3(SLC18A3):c.1595G>A (p.Ser532Asn)

Genes: CHAT (choline O-acetyltransferase; plus strand), SLC18A3 (solute carrier family 18 member A3; plus strand). Cytogenetic location: 10q11.23.
Variant type: single nucleotide variant.
Coding change: c.1595G>A on transcript NM_003055.3 (MANE Select); coding-DNA position 1595, G replaced by A.
Protein change: p.Ser532Asn; replaces serine 532 with asparagine.
Molecular consequence: missense variant. On other transcripts: intron variant (1).
Genome position (GRCh38, 1-based): chr10:49,612,335, G>A. VCF-style: chr10-49612335-G-A. GRCh37 (hg19) VCF-style: chr10-50820381-G-A.
Other names: c.-69+3136G>A (NM_020984.4); short protein forms S532N.
Identifiers: ClinVar variation 1420645 (VCV001420645.5), dbSNP rs374783600, ClinGen allele CA5497001.

ClinVar aggregate classification (germline): Uncertain significance (1 of 4 stars; one submission).

Allele frequency attached by ClinVar (database versions not stated): gnomAD exomes 0.00010 and 0.00013; gnomAD 0.00006; ExAC 0.00013; TOPMed 0.00006; ESP Exome Variant Server 0.00008.
gnomAD v4.1: 191 of 1,583,298 alleles (0.012%); highest among the groups gnomAD compares: Non-Finnish European, 0.016%; no homozygotes.

Submission:

Labcorp Genetics (formerly Invitae), Labcorp
Classification: Uncertain significance. Last evaluated: 2024-05-09. Review status: criteria provided, single submitter. Criteria: Invitae Variant Classification Sherloc (09022015). Collection method: clinical testing. Allele origin: germline.
Comment: This sequence change replaces serine, which is neutral and polar, with asparagine, which is neutral and polar, at codon 532 of the SLC18A3 protein (p.Ser532Asn). This variant is present in population databases (rs374783600, gnomAD 0.02%). This variant has not been reported in the literature in individuals affected with SLC18A3-related conditions. ClinVar contains an entry for this variant (Variation ID: 1420645). An algorithm developed to predict the effect of missense changes on protein structure and function (PolyPhen-2) suggests that this variant¬†is likely to be tolerated. In summary, the available evidence is currently insufficient to determine the role of this variant in disease. Therefore, it has been classified as a Variant of Uncertain Significance.